The following is an entry in ClinVar:

NM_145207.3(AFG2A):c.1868A>T (p.Asn623Ile)

Gene: AFG2A (AAA ATPase AFG2A; plus strand). Cytogenetic location: 4q28.1.
Variant type: single nucleotide variant.
Coding change: c.1868A>T on transcript NM_145207.3 (MANE Select); coding-DNA position 1868, A replaced by T.
Protein change: p.Asn623Ile; replaces asparagine 623 with isoleucine.
Molecular consequence: missense variant.
Genome position (GRCh38, 1-based): chr4:122,979,385, A>T. VCF-style: chr4-122979385-A-T. GRCh37 (hg19) VCF-style: chr4-123900540-A-T.
Other names: c.1865A>T, p.Asn622Ile (NM_001317799.2, NM_001345856.2); short protein forms N623I, N622I.
Identifiers: ClinVar variation 839502 (VCV000839502.6), dbSNP rs142275464, ClinGen allele CA3070556.

ClinVar aggregate classification (germline): Uncertain significance. Review status: criteria provided, multiple submitters, no conflicts (2 of 4 stars). 3 submissions from 3 submitters: Uncertain significance (3). Last evaluated 2024-02-26.

Conditions:
Microcephaly-intellectual disability-sensorineural hearing loss-epilepsy-abnormal muscle tone syndrome (NEDHSB). Also called: NEURODEVELOPMENTAL DISORDER WITH HEARING LOSS, SEIZURES, AND BRAIN ABNORMALITIES. Identifiers: Orphanet 457351, MedGen C4225276, MONDO:0014698, OMIM 616577.

Allele frequency attached by ClinVar (database versions not stated): ExAC 0.00003; TOPMed 0.00005; ESP Exome Variant Server 0.00008.
gnomAD v4.1: 32 of 1,613,676 alleles (0.002%); highest among the groups gnomAD compares: Non-Finnish European, 0.0025%; no homozygotes.

Submissions (3):

Blueprint Genetics
Classification: Uncertain significance. Last evaluated: 2024-02-26. Review status: criteria provided, single submitter. Criteria: ACMG Guidelines, 2015. Collection method: clinical testing. Allele origin: germline.

Labcorp Genetics (formerly Invitae), Labcorp
Classification: Uncertain significance for Microcephaly-intellectual disability-sensorineural hearing loss-epilepsy-abnormal muscle tone syndrome. Last evaluated: 2022-08-23. Review status: criteria provided, single submitter. Criteria: Invitae Variant Classification Sherloc (09022015). Collection method: clinical testing. Allele origin: germline.
Comment: This sequence change replaces asparagine, which is neutral and polar, with isoleucine, which is neutral and non-polar, at codon 623 of the SPATA5 protein (p.Asn623Ile). This variant is present in population databases (rs142275464, gnomAD 0.006%). This variant has not been reported in the literature in individuals affected with SPATA5-related conditions. ClinVar contains an entry for this variant (Variation ID: 839502). Algorithms developed to predict the effect of missense changes on protein structure and function are either unavailable or do not agree on the potential impact of this missense change (SIFT: "Deleterious"; PolyPhen-2: "Possibly Damaging"; Align-GVGD: "Class C15"). In summary, the available evidence is currently insufficient to determine the role of this variant in disease. Therefore, it has been classified as a Variant of Uncertain Significance.

GeneDx
Classification: Uncertain significance. Last evaluated: 2022-03-24. Review status: criteria provided, single submitter. Criteria: GeneDx Variant Classification Process June 2021. Collection method: clinical testing. Allele origin: germline. Affected: yes.
Comment: Not observed at significant frequency in large population cohorts (gnomAD); In silico analysis supports that this missense variant has a deleterious effect on protein structure/function; Has not been previously published as pathogenic or benign to our knowledge